The following is an entry in ClinVar:

ClinVar aggregate classification (germline): Uncertain significance (1 of 4 stars; one submission).

Conditions:
Inborn genetic diseases. Identifiers: MedGen C0950123, MeSH D030342.

Submission:

Ambry Genetics
Classification: Uncertain significance for Inborn genetic diseases. Last evaluated: 2025-07-06. Review status: criteria provided, single submitter. Criteria: Ambry Variant Classification Scheme 2023. Collection method: clinical testing. Allele origin: germline.
Comment: The p.Q1190P variant (also known as c.3569A>C), located in coding exon 36 of the FANCA gene, results from an A to C substitution at nucleotide position 3569. The glutamine at codon 1190 is replaced by proline, an amino acid with similar properties. This amino acid position is conserved. In addition, the in silico prediction for this alteration is inconclusive. Based on the available evidence, the clinical significance of this variant remains unclear.

NM_000135.4(FANCA):c.3569A>C (p.Gln1190Pro)

Gene: FANCA (FA complementation group A; minus strand). Cytogenetic location: 16q24.3.
Variant type: single nucleotide variant.
Coding change: c.3569A>C on transcript NM_000135.4 (MANE Select); coding-DNA position 3569, A replaced by C.
Protein change: p.Gln1190Pro; replaces glutamine 1190 with proline.
Molecular consequence: missense variant.
Genome position (GRCh38, 1-based): chr16:89,745,016, T>G on the plus strand (A>C on the coding strand, the complement: FANCA is on the minus strand). VCF-style: chr16-89745016-T-G. GRCh37 (hg19) VCF-style: chr16-89811424-T-G.
Other names: c.3569A>C, p.Gln1190Pro (NM_001286167.3); short protein forms Q1190P.
Identifiers: ClinVar variation 4254183 (VCV004254183.1).